The following is an entry in ClinVar:

ClinVar aggregate classification (germline): Uncertain significance (1 of 4 stars; one submission).

Conditions:
Nephronophthisis 14 (NPHP14). Identifiers: Orphanet 2318, MedGen C3539071, MONDO:0013916, OMIM 614844.

Allele frequency attached by ClinVar (database versions not stated): gnomAD exomes below 0.00001; ExAC 0.00001.
gnomAD v4.1: 2 of 1,614,242 alleles (0.00012%); highest among the groups gnomAD compares: Non-Finnish European, 0.00017%; no homozygotes.

Submission:

Labcorp Genetics (formerly Invitae), Labcorp
Classification: Uncertain significance for Nephronophthisis 14. Last evaluated: 2022-03-04. Review status: criteria provided, single submitter. Criteria: Invitae Variant Classification Sherloc (09022015). Collection method: clinical testing. Allele origin: germline.
Comment: This sequence change replaces threonine, which is neutral and polar, with alanine, which is neutral and non-polar, at codon 49 of the ZNF423 protein (p.Thr49Ala). The frequency data for this variant in the population databases is considered unreliable, as metrics indicate poor data quality at this position in the gnomAD database. This variant has not been reported in the literature in individuals affected with ZNF423-related conditions. Algorithms developed to predict the effect of missense changes on protein structure and function (SIFT, PolyPhen-2, Align-GVGD) all suggest that this variant is likely to be tolerated. In summary, the available evidence is currently insufficient to determine the role of this variant in disease. Therefore, it has been classified as a Variant of Uncertain Significance.

NM_001379286.1(ZNF423):c.169A>G (p.Thr57Ala)

Gene: ZNF423 (zinc finger protein 423; minus strand). Cytogenetic location: 16q12.1.
Variant type: single nucleotide variant.
Coding change: c.169A>G on transcript NM_001379286.1 (MANE Select); coding-DNA position 169, A replaced by G.
Protein change: p.Thr57Ala; replaces threonine 57 with alanine.
Molecular consequence: missense variant. On other transcripts: 5 prime UTR variant (1).
Genome position (GRCh38, 1-based): chr16:49,730,903, T>C on the plus strand (A>G on the coding strand, the complement: ZNF423 is on the minus strand). VCF-style: chr16-49730903-T-C. GRCh37 (hg19) VCF-style: chr16-49764814-T-C.
Other names: c.-36A>G (NM_001271620.2); c.145A>G, p.Thr49Ala (NM_015069.5); short protein forms T49A, T57A.
Identifiers: ClinVar variation 2082068 (VCV002082068.4), dbSNP rs761914426, ClinGen allele CA8046944.